The following is an entry in ClinVar:

ClinVar aggregate classification (germline): Pathogenic/Likely pathogenic. Review status: criteria provided, multiple submitters, no conflicts (2 of 4 stars). 3 submissions from 3 submitters: Pathogenic (2); Likely pathogenic (1). Last evaluated 2025-05-29.

Conditions:
Hereditary cancer-predisposing syndrome. Also called: Hereditary Cancer Syndrome; Neoplastic Syndromes, Hereditary; Hereditary neoplastic syndrome; Tumor predisposition. Identifiers: Orphanet 140162, MedGen C0027672, MeSH D009386, MONDO:0015356.
Cardiovascular phenotype. Identifiers: MedGen CN230736.
Neurofibromatosis, type 1 (NF1). Also called: Peripheral type neurofibromatosis; NEUROFIBROMATOSIS, TYPE I, SOMATIC; Neurofibromatosis, type I; VON RECKLINGHAUSEN DISEASE. Identifiers: Orphanet 636, MedGen C0027831, MONDO:0018975, OMIM 162200. Disease mechanism: loss of function.

Submissions (3):

Ambry Genetics
Classification: Likely pathogenic for Cardiovascular phenotype; Hereditary cancer-predisposing syndrome. Last evaluated: 2025-05-29. Review status: criteria provided, single submitter. Criteria: Ambry Variant Classification Scheme 2023. Collection method: clinical testing. Allele origin: germline.
Comment: The c.1186-1G>A intronic variant results from a G to A substitution one nucleotide upstream from coding exon 11 of the NF1 gene. In silico splice site analysis predicts that this alteration will weaken the native splice acceptor site and will result in the creation or strengthening of a novel splice acceptor site. RNA studies have demonstrated that this alteration results in abnormal splicing in the set of samples tested (Ambry internal data). The resulting transcript is predicted to be in-frame and is not expected to trigger nonsense-mediated mRNA decay. The exact functional effect of the altered amino acid sequence is unknown; however, several alterations impacting this acceptor site have been identified in individuals with clinical diagnoses of neurofibromatosis type 1 and have been shown to have a similar impact on splicing (Pros E et al. Hum. Mutat., 2008 Sep;29:E173-93; Brekelmans C et al. Hum. Mutat., 2019 10;40:1760-1767; Melloni G et al. Cancers (Basel), 2019 11;11). This variant was reported in individual(s) with features consistent with neurofibromatosis type 1 ( Ambry internal data). This nucleotide position is highly conserved in available vertebrate species. Based on the majority of available evidence to date, this variant is likely to be pathogenic.

Labcorp Genetics (formerly Invitae), Labcorp
Classification: Pathogenic for Neurofibromatosis, type 1. Last evaluated: 2024-09-18. Review status: criteria provided, single submitter. Criteria: Invitae Variant Classification Sherloc (09022015). Collection method: clinical testing. Allele origin: germline.
Comment: This sequence change affects an acceptor splice site in intron 10 of the NF1 gene. RNA analysis indicates that disruption of this splice site induces altered splicing and likely results in the loss of 5 amino acid residue(s), but is expected to preserve the integrity of the reading-frame. This variant is not present in population databases (gnomAD no frequency). Disruption of this splice site has been observed in individual(s) with neurofibromatosis type 1 (PMID: 31766501, 33443663; internal data). ClinVar contains an entry for this variant (Variation ID: 803341). Studies have shown that disruption of this splice site results in the activation of a cryptic splice site in 10 (PMID: 31766501). For these reasons, this variant has been classified as Pathogenic.

Mendelics
Classification: Pathogenic for Neurofibromatosis, type 1. Last evaluated: 2019-05-28. Review status: criteria provided, single submitter. Criteria: Mendelics Assertion Criteria 2017. Collection method: clinical testing. Allele origin: unknown.

Literature cited by the submitters: PubMed 31766501 (cited by Labcorp Genetics (formerly Invitae), Labcorp); PubMed 33443663 (cited by Labcorp Genetics (formerly Invitae), Labcorp).

NM_001042492.3(NF1):c.1186-1G>A

Gene: NF1 (neurofibromin 1; plus strand). Cytogenetic location: 17q11.2.
Variant type: single nucleotide variant.
Coding change: c.1186-1G>A on transcript NM_001042492.3 (MANE Select); the canonical splice acceptor site of the intron before coding-DNA position 1186, G replaced by A.
Molecular consequence: splice acceptor variant.
Genome position (GRCh38, 1-based): chr17:31,201,410, G>A. VCF-style: chr17-31201410-G-A. GRCh37 (hg19) VCF-style: chr17-29528428-G-A.
Other names: c.1186-1G>A (NM_000267.4, NM_001128147.3).
Identifiers: ClinVar variation 803341 (VCV000803341.7), dbSNP rs876660782, ClinGen allele CA398997401.